The following is an entry in ClinVar:

ClinVar aggregate classification (germline): Uncertain significance (1 of 4 stars; one submission).
ClinVar aggregate classification (somatic clinical impact): Tier I - Strong (1 of 4 stars; one submission).

Conditions:
Medulloblastoma WNT activated. Identifiers: MedGen C4331965, MONDO:0850196.

Submissions (2):

Institute for Genomic Medicine (IGM) Clinical Laboratory, Nationwide Children's Hospital
Classification: Tier I - Strong for Medulloblastoma WNT activated. Assertion type: diagnostic. Clinical significance: supports diagnosis. Last evaluated: 2025-04-29. Review status: criteria provided, single submitter. Criteria: AMP/ASCO/CAP Guidelines, 2017. Collection method: clinical testing. Allele origin: somatic. Affected: yes.
Comment: Variant has Tier I (strong) clinical significance as a diagnostic inclusion criterion in medulloblastoma WNT activated, based on the following evidence: 1) Documented in one or more cancer databases (e.g., St. Jude Pecan, COSMIC, CIViC, OncoKB). 2) Appears in one or more well-established professional guidelines (e.g., World Health Organization [WHO]; National Comprehensive Cancer Network [NCCN]) as providing diagnostic, prognostic, or therapeutic information. 3) Diagnostic for a specific tumor type/classification based on well-powered studies with expert-level consensus (Evidence Level B; PMIDs: 22820256, 28726821, 31799776, 30588243).

CeGaT Center for Human Genetics Tuebingen
Classification: Uncertain significance. Last evaluated: 2019-11-01. Review status: criteria provided, single submitter. Criteria: CeGaT Center For Human Genetics Tuebingen Variant Classification Criteria Version 2. Collection method: clinical testing. Allele origin: germline. Affected: yes. Observed: 3 variant alleles.

Literature cited by the submitters: PubMed 22820256 (cited by Institute for Genomic Medicine (IGM) Clinical Laboratory, Nationwide Children's Hospital); PubMed 28726821 (cited by Institute for Genomic Medicine (IGM) Clinical Laboratory, Nationwide Children's Hospital); PubMed 31799776 (cited by Institute for Genomic Medicine (IGM) Clinical Laboratory, Nationwide Children's Hospital); PubMed 30588243 (cited by Institute for Genomic Medicine (IGM) Clinical Laboratory, Nationwide Children's Hospital).

NM_001320.7(CSNK2B):c.68G>T (p.Cys23Phe)

Gene: CSNK2B (casein kinase 2 beta; plus strand). Cytogenetic location: 6p21.33.
Variant type: single nucleotide variant.
Coding change: c.68G>T on transcript NM_001320.7 (MANE Select); coding-DNA position 68, G replaced by T.
Protein change: p.Cys23Phe; replaces cysteine 23 with phenylalanine.
Molecular consequence: missense variant.
Genome position (GRCh38, 1-based): chr6:31,666,899, G>T. VCF-style: chr6-31666899-G-T. GRCh37 (hg19) VCF-style: chr6-31634676-G-T.
Other names: c.68G>T, p.Cys23Phe (NM_001282385.2); short protein forms C23F.
Identifiers: ClinVar variation 870828 (VCV000870828.42), dbSNP rs1801760887, ClinGen allele CA363469844.